The following is an entry in ClinVar:

NM_021098.3(CACNA1H):c.4678A>G (p.Lys1560Glu)

Gene: CACNA1H (calcium voltage-gated channel subunit alpha1 H; plus strand). Cytogenetic location: 16p13.3.
Variant type: single nucleotide variant.
Coding change: c.4678A>G on transcript NM_021098.3 (MANE Select); coding-DNA position 4678, A replaced by G.
Protein change: p.Lys1560Glu; replaces lysine 1560 with glutamic acid.
Molecular consequence: missense variant.
Genome position (GRCh38, 1-based): chr16:1,212,057, A>G. VCF-style: chr16-1212057-A-G. GRCh37 (hg19) VCF-style: chr16-1262057-A-G.
Other names: c.4678A>G, p.Lys1560Glu (NM_001005407.2); short protein forms K1560E.
Identifiers: ClinVar variation 964007 (VCV000964007.10), dbSNP rs1371741882, ClinGen allele CA394180957.

ClinVar aggregate classification (germline): Uncertain significance. Review status: criteria provided, multiple submitters, no conflicts (2 of 4 stars). 2 submissions from 2 submitters: Uncertain significance (2). Last evaluated 2025-01-20.

Conditions:
Idiopathic generalized epilepsy. Also called: Generalised epilepsy; EIG. Identifiers: MedGen C0270850, MONDO:0005579, OMIM 600669.
Hyperaldosteronism, familial, type IV (HALD4). Also called: FH IV; ALDOSTERONISM, PRIMARY, AND HYPERTENSION. Identifiers: Orphanet 642671, MedGen C4310756, MONDO:0014875, OMIM 617027.
Epilepsy, childhood absence, susceptibility to, 6. Identifiers: Orphanet 64280, MedGen C2749872, MONDO:0012763, OMIM 611942.

Allele frequency attached by ClinVar (database versions not stated): gnomAD exomes below 0.00001; TOPMed 0.00001; gnomAD 0.00003.
gnomAD v4.1: 6 of 1,613,026 alleles (0.00037%); highest among the groups gnomAD compares: Non-Finnish European, 0.00051%; no homozygotes.

Submissions (2):

Labcorp Genetics (formerly Invitae), Labcorp
Classification: Uncertain significance for Idiopathic generalized epilepsy; Hyperaldosteronism, familial, type IV. Last evaluated: 2025-01-20. Review status: criteria provided, single submitter. Criteria: Invitae Variant Classification Sherloc (09022015). Collection method: clinical testing. Allele origin: germline.
Comment: This sequence change replaces lysine, which is basic and polar, with glutamic acid, which is acidic and polar, at codon 1560 of the CACNA1H protein (p.Lys1560Glu). This variant is present in population databases (no rsID available, gnomAD 0.01%). This variant has not been reported in the literature in individuals affected with CACNA1H-related conditions. ClinVar contains an entry for this variant (Variation ID: 964007). Invitae Evidence Modeling of protein sequence and biophysical properties (such as structural, functional, and spatial information, amino acid conservation, physicochemical variation, residue mobility, and thermodynamic stability) indicates that this missense variant is expected to disrupt CACNA1H protein function with a positive predictive value of 80%. In summary, the available evidence is currently insufficient to determine the role of this variant in disease. Therefore, it has been classified as a Variant of Uncertain Significance.

Fulgent Genetics
Classification: Uncertain significance for Epilepsy, childhood absence, susceptibility to, 6; Hyperaldosteronism, familial, type IV. Last evaluated: 2022-05-03. Review status: criteria provided, single submitter. Criteria: ACMG Guidelines, 2015. Collection method: clinical testing. Allele origin: unknown.